The following is an entry in ClinVar:

ClinVar aggregate classification (germline): Likely pathogenic (1 of 4 stars; one submission).

Conditions:
Multiple sulfatase deficiency (MSD). Also called: Multiple Sulfatase Deficiency Disease; Sulfatidosis, Juvenile, Austin Type; Mucosulfatidosis. Identifiers: Orphanet 585, MedGen C0268263, MONDO:0010088, OMIM 272200.

Submission:

Labcorp Genetics (formerly Invitae), Labcorp
Classification: Likely pathogenic for Multiple sulfatase deficiency. Last evaluated: 2019-12-02. Review status: criteria provided, single submitter. Criteria: Invitae Variant Classification Sherloc (09022015). Collection method: clinical testing. Allele origin: germline.
Comment: In summary, the currently available evidence indicates that the variant is pathogenic, but additional data are needed to prove that conclusively. Therefore, this variant has been classified as Likely Pathogenic. This variant disrupts the p.Ala279 amino acid residue in SUMF1. Other variant(s) that disrupt this residue have been determined to be pathogenic (PMID: 15146462, 18157819, 21224894, 25885655). This suggests that this residue is clinically significant, and that variants that disrupt this residue are likely to be disease-causing. This variant has not been reported in the literature in individuals with SUMF1-related conditions. This variant is an in-frame deletion of the genomic region encompassing exon(s) 4-7 of the SUMF1 gene. It preserves the integrity of the reading frame.

Literature cited by the submitters: PubMed 15146462; PubMed 18157819; PubMed 21224894; PubMed 25885655.

NC_000003.12:g.(?_4410855)_(4420156_?)del

Gene: SUMF1 (sulfatase modifying factor 1; minus strand). Cytogenetic location: 3p26.1.
Variant type: Deletion.
Identifiers: ClinVar variation 832565 (VCV000832565.7).